The following is an entry in ClinVar:

NM_001728.4(BSG):c.582C>G (p.Ser194=)

Gene: BSG (basigin (Ok blood group); plus strand). Cytogenetic location: 19p13.3.
Variant type: single nucleotide variant.
Coding change: c.582C>G on transcript NM_001728.4 (MANE Select); coding-DNA position 582, C replaced by G.
Protein change: p.Ser194=; no amino-acid change (serine 194 retained).
Molecular consequence: synonymous variant. On other transcripts: 5 prime UTR variant (2).
Genome position (GRCh38, 1-based): chr19:580,388, C>G. VCF-style: chr19-580388-C-G. GRCh37 (hg19) VCF-style: chr19-580388-C-G.
Other names: c.234C>G, p.Ser78= (NM_001322243.2, NM_198589.3); c.-46C>G (NM_198590.3, NM_198591.4).
Identifiers: ClinVar variation 3059477 (VCV003059477.2), dbSNP rs2229664, ClinGen allele CA9017856.

ClinVar aggregate classification (germline): Benign (0 of 4 stars; one submission).

Conditions:
BSG-related disorder. Also called: BSG-related condition.

Allele frequency attached by ClinVar (database versions not stated): ESP Exome Variant Server 0.12423; ExAC 0.14404; 1000 Genomes Project 30x 0.18488; 1000 Genomes Project 0.19010.
gnomAD v4.1: 180,933 of 1,610,302 alleles (11%); highest among the groups gnomAD compares: South Asian, 27%; 12,562 homozygotes.

Submission:

PreventionGenetics, part of Exact Sciences
Classification: Benign for BSG-related condition. Last evaluated: 2019-10-31. Review status: no assertion criteria provided. Collection method: clinical testing. Allele origin: germline.
Comment: This variant is classified as benign based on ACMG/AMP sequence variant interpretation guidelines (Richards et al. 2015 PMID: 25741868, with internal and published modifications).